The following is an entry in ClinVar:

NM_004006.3(DMD):c.4793C>A (p.Ser1598Ter)

Gene: DMD (dystrophin; minus strand). Cytogenetic location: Xp21.1.
Variant type: single nucleotide variant.
Coding change: c.4793C>A on transcript NM_004006.3 (MANE Select); coding-DNA position 4793, C replaced by A.
Protein change: p.Ser1598Ter; replaces serine 1598 with a stop codon.
Molecular consequence: nonsense.
Genome position (GRCh38, 1-based): chrX:32,380,562, G>T on the plus strand (C>A on the coding strand, the complement: DMD is on the minus strand). VCF-style: chrX-32380562-G-T. GRCh37 (hg19) VCF-style: chrX-32398679-G-T.
Other names: c.4769C>A, p.Ser1590Ter (NM_000109.4); c.4781C>A, p.Ser1594Ter (NM_004009.3); c.4424C>A, p.Ser1475Ter (NM_004010.3); c.770C>A, p.Ser257Ter (NM_004011.4); c.761C>A, p.Ser254Ter (NM_004012.4); short protein forms S1475*, S1590*, S1594*, S1598*, S254*, S257*.
Identifiers: ClinVar variation 1322709 (VCV001322709.6), dbSNP rs2147470500, ClinGen allele CA412661149.

ClinVar aggregate classification (germline): Pathogenic (1 of 4 stars; one submission).

Conditions:
Duchenne muscular dystrophy (DMD). Also called: MUSCULAR DYSTROPHY, PSEUDOHYPERTROPHIC PROGRESSIVE, DUCHENNE TYPE; Duchenne Muscular Dystrophy (DMD). Identifiers: Orphanet 98896, MedGen C0013264, MONDO:0010679, OMIM 310200.

Submission:

Labcorp Genetics (formerly Invitae), Labcorp
Classification: Pathogenic for Duchenne muscular dystrophy. Last evaluated: 2022-07-25. Review status: criteria provided, single submitter. Criteria: Invitae Variant Classification Sherloc (09022015). Collection method: clinical testing. Allele origin: germline.
Comment: This premature translational stop signal has been observed in individual(s) with clinical features of Duchenne muscular dystrophy (PMID: 19937601). ClinVar contains an entry for this variant (Variation ID: 1322709). For these reasons, this variant has been classified as Pathogenic. This variant is not present in population databases (gnomAD no frequency). This sequence change creates a premature translational stop signal (p.Ser1598*) in the DMD gene. It is expected to result in an absent or disrupted protein product. Loss-of-function variants in DMD are known to be pathogenic (PMID: 16770791, 25007885).

Literature cited by the submitters: PubMed 19937601; PubMed 16770791; PubMed 25007885.